The following is an entry in ClinVar:

ClinVar aggregate classification (germline): Uncertain significance (1 of 4 stars; one submission).

Submission:

GeneDx
Classification: Uncertain significance. Last evaluated: 2025-03-13. Review status: criteria provided, single submitter. Criteria: GeneDx Variant Classification Process June 2021. Collection method: clinical testing. Allele origin: germline. Affected: yes.
Comment: Not observed at significant frequency in large population cohorts (gnomAD); In silico analysis supports that this missense variant has a deleterious effect on protein structure/function; Has not been previously published as pathogenic or benign to our knowledge

NM_001008537.3(NEXMIF):c.2140A>G (p.Arg714Gly)

Gene: NEXMIF (neurite extension and migration factor; minus strand). Cytogenetic location: Xq13.3.
Variant type: single nucleotide variant.
Coding change: c.2140A>G on transcript NM_001008537.3 (MANE Select); coding-DNA position 2140, A replaced by G.
Protein change: p.Arg714Gly; replaces arginine 714 with glycine.
Molecular consequence: missense variant.
Genome position (GRCh38, 1-based): chrX:74,742,417, T>C on the plus strand (A>G on the coding strand, the complement: NEXMIF is on the minus strand). VCF-style: chrX-74742417-T-C. GRCh37 (hg19) VCF-style: chrX-73962252-T-C.
Other names: short protein forms R714G.
Identifiers: ClinVar variation 4083251 (VCV004083251.1).